The following is an entry in ClinVar:

NM_006941.4(SOX10):c.196G>C (p.Asp66His)

Genes: POLR2F (RNA polymerase II, I and III subunit F; plus strand), SOX10 (SRY-box transcription factor 10; minus strand). Cytogenetic location: 22q13.1.
Variant type: single nucleotide variant.
Coding change: c.196G>C on transcript NM_006941.4 (MANE Select); coding-DNA position 196, G replaced by C.
Protein change: p.Asp66His; replaces aspartic acid 66 with histidine.
Molecular consequence: missense variant. On other transcripts: intron variant (3).
Genome position (GRCh38, 1-based): chr22:37,983,589, C>G on the plus strand (G>C on the coding strand, the complement: SOX10 is on the minus strand). VCF-style: chr22-37983589-C-G. GRCh37 (hg19) VCF-style: chr22-38379596-C-G.
Other names: c.*38+11279C>G (NM_001363825.1); c.294-2565C>G (NM_001301130.2); c.293+16419C>G (NM_001301131.2); short protein forms D66H.
Identifiers: ClinVar variation 5020177 (VCV005020177.1).

ClinVar aggregate classification (germline): Uncertain significance (1 of 4 stars; one submission).

Submission:

Dasa
Classification: Uncertain significance. Last evaluated: 2026-07-18. Review status: criteria provided, single submitter. Criteria: DASA Assertion Criteria. Collection method: clinical testing. Allele origin: germline.
Comment: NM_006941.4(SOX10):c.196G>C (p.Asp66His) is a missense variant that results in the substitution of aspartic acid with histidine. This variant is rare in population databases. The currently available literature and clinical evidence are not sufficient to establish a definitive association between this variant and the reported condition. Therefore, this variant is classified as a variant of uncertain significance.